The following is an entry in ClinVar:

ClinVar aggregate classification (germline): Uncertain significance (1 of 4 stars; one submission).

Submission:

Dasa
Classification: Uncertain significance. Last evaluated: 2025-08-08. Review status: criteria provided, single submitter. Criteria: DASA Assertion Criteria. Collection method: clinical testing. Allele origin: germline.
Comment: NM_152713.5(STT3A):c.108T>G (p.Phe36Leu) is a missense variant that results in the substitution of phenylalanine with leucine. This variant is absent from population databases. The currently available literature and clinical evidence are not sufficient to establish a definitive association between this variant and the reported condition. Therefore, this variant is classified as a variant of uncertain significance.

NM_152713.5(STT3A):c.108T>G (p.Phe36Leu)

Gene: STT3A (STT3 oligosaccharyltransferase complex catalytic subunit A; plus strand). Cytogenetic location: 11q24.2.
Variant type: single nucleotide variant.
Coding change: c.108T>G on transcript NM_152713.5 (MANE Select); coding-DNA position 108, T replaced by G.
Protein change: p.Phe36Leu; replaces phenylalanine 36 with leucine.
Molecular consequence: missense variant. On other transcripts: 5 prime UTR variant (1).
Genome position (GRCh38, 1-based): chr11:125,597,078, T>G. VCF-style: chr11-125597078-T-G. GRCh37 (hg19) VCF-style: chr11-125466973-T-G.
Other names: c.108T>G, p.Phe36Leu (NM_001278503.2); c.-169T>G (NM_001278504.2); short protein forms F36L.
Identifiers: ClinVar variation 4885630 (VCV004885630.2).